The following is an entry in ClinVar:

NM_016203.4(PRKAG2):c.425C>T (p.Thr142Ile)

Gene: PRKAG2 (protein kinase AMP-activated non-catalytic subunit gamma 2; minus strand). Cytogenetic location: 7q36.1.
Variant type: single nucleotide variant.
Coding change: c.425C>T on transcript NM_016203.4 (MANE Select); coding-DNA position 425, C replaced by T.
Protein change: p.Thr142Ile; replaces threonine 142 with isoleucine.
Molecular consequence: missense variant.
Genome position (GRCh38, 1-based): chr7:151,781,193, G>A on the plus strand (C>T on the coding strand, the complement: PRKAG2 is on the minus strand). VCF-style: chr7-151781193-G-A. GRCh37 (hg19) VCF-style: chr7-151478279-G-A.
Other names: p.T142I:ACC>ATC; c.293C>T, p.Thr98Ile (NM_001040633.2); short protein forms T142I, T98I.
Identifiers: ClinVar variation 45717 (VCV000045717.33), dbSNP rs397517270, ClinGen allele CA014190.

ClinVar aggregate classification (germline): Conflicting classifications of pathogenicity. Review status: criteria provided, conflicting classifications (1 of 4 stars). 13 submissions from 12 submitters: Uncertain significance (9); Likely benign (2). 2 of the submissions do not count toward it. Last evaluated 2025-12-28.

Conditions:
Cardiovascular phenotype. Identifiers: MedGen CN230736.
Hypertrophic cardiomyopathy 6. Identifiers: MedGen C1833236, MONDO:0010946, OMIM 600858.
Wolff-Parkinson-White pattern. Also called: WPW SYNDROME; Auriculoventricular accessory pathway syndrome; False bundle branch block syndrome; Anomalous ventricular excitation syndrome. Identifiers: MONDO:0008685, OMIM 194200, HP:0001716, MedGen C0043202.
Lethal congenital glycogen storage disease of heart. Also called: GLYCOGEN STORAGE DISEASE OF HEART; PHOSPHORYLASE KINASE DEFICIENCY OF HEART. Identifiers: Orphanet 439854, MedGen C1849813, MONDO:0009867, OMIM 261740.
Cardiomyopathy (CMYO). Also called: Cardiomyopathies. Identifiers: Orphanet 167848, MedGen C0878544, MONDO:0004994, HP:0001638. Inheritance: Various modes of inheritance.
Arrhythmogenic right ventricular dysplasia 9 (ARVD9). Also called: Arrhythmogenic Right Ventricular Dysplasia/Cardiomyopathy 9; ARRHYTHMOGENIC RIGHT VENTRICULAR DYSPLASIA, FAMILIAL, 9. Identifiers: MedGen C1836906, MONDO:0012180, OMIM 609040.
Hypertrophic cardiomyopathy. Also called: HYPERTROPHIC MYOCARDIOPATHY. Identifiers: Orphanet 217569, MedGen C0007194, MeSH D002312, MONDO:0005045, HP:0001639.

Allele frequency attached by ClinVar (database versions not stated): gnomAD exomes 0.00006 and 0.00007; ExAC 0.00007; TOPMed 0.00008; gnomAD 0.00009 and 0.00010.
gnomAD v4.1: 97 of 1,613,994 alleles (0.006%); highest among the groups gnomAD compares: Non-Finnish European, 0.0069%; no homozygotes.

Submissions (13):

Labcorp Genetics (formerly Invitae), Labcorp
Classification: Likely benign for Lethal congenital glycogen storage disease of heart. Last evaluated: 2025-12-28. Review status: criteria provided, single submitter. Criteria: Invitae Variant Classification Sherloc (09022015). Collection method: clinical testing. Allele origin: germline.

Blueprint Genetics
Classification: Likely benign. Last evaluated: 2024-11-14. Review status: criteria provided, single submitter. Criteria: ACMG Guidelines, 2015. Collection method: clinical testing. Allele origin: germline.

All of Us Research Program, National Institutes of Health
Classification: Uncertain significance for Hypertrophic cardiomyopathy. Last evaluated: 2024-09-17. Review status: criteria provided, single submitter. Criteria: ACMG Guidelines, 2015. Collection method: clinical testing. Allele origin: germline. Inheritance: Autosomal dominant inheritance. Observed: 40 variant alleles, 40 heterozygotes.
Comment: This missense variant replaces threonine with isoleucine at codon 142 of the PRKAG2 protein. Computational prediction is inconclusive regarding the impact of this variant on protein structure and function (internally defined REVEL score threshold 0.5 < inconclusive < 0.7, PMID: 27666373). To our knowledge, functional studies have not been reported for this variant. This variant has been reported in individuals affected with hypertrophic cardiomyopathy (PMID: 27532257, 30847666), left ventricular noncompaction (PMID: 28798025), possible arrhythmogenic right ventricular cardiomyopathy (PMID: 29253866), or long QT syndrome (PMID: 33876311). This variant has also been reported in individuals affected with dilated cardiomyopathy (PMID: 24503780, 27532257, 35588295), including one de novo report (PMID: 35588295). This variant has also been identified in 20/282698 chromosomes in the general population by the Genome Aggregation Database (gnomAD). The available evidence is insufficient to determine the role of this variant in disease conclusively. Therefore, this variant is classified as a Variant of Uncertain Significance.

This study involves interpretation of variants in research participants for the purpose of population health screening. Participant phenotype was not available at the time of variant classification. Additional details can be found in publication PMID: 35346344, PMCID: PMC8962531

Color Diagnostics, LLC DBA Color Health
Classification: Uncertain significance for Cardiomyopathy. Last evaluated: 2023-11-14. Review status: criteria provided, single submitter. Criteria: ACMG Guidelines, 2015. Collection method: clinical testing. Allele origin: germline.
Comment: This missense variant replaces threonine with isoleucine at codon 142 of the PRKAG2 protein. Computational prediction is inconclusive regarding the impact of this variant on protein structure and function (internally defined REVEL score threshold 0.5 < inconclusive < 0.7, PMID: 27666373). To our knowledge, functional studies have not been reported for this variant. This variant has been reported in individuals affected with hypertrophic cardiomyopathy (PMID: 27532257, 30847666), left ventricular noncompaction (PMID: 28798025), possible arrhythmogenic right ventricular cardiomyopathy (PMID: 29253866), or long QT syndrome (PMID: 33876311). This variant has also been reported in individuals affected with dilated cardiomyopathy (PMID: 24503780, 27532257, 35588295), including one de novo report (PMID: 35588295). This variant has also been identified in 20/282698 chromosomes in the general population by the Genome Aggregation Database (gnomAD). The available evidence is insufficient to determine the role of this variant in disease conclusively. Therefore, this variant is classified as a Variant of Uncertain Significance.

CHEO Genetics Diagnostic Laboratory, Children's Hospital of Eastern Ontario
Classification: Uncertain significance for Cardiomyopathy. Last evaluated: 2023-04-04. Review status: criteria provided, single submitter. Criteria: ACMG Guidelines, 2015. Collection method: clinical testing. Allele origin: germline. Study: Canadian Open Genetics Repository.

Fulgent Genetics
Classification: Uncertain significance for Wolff-Parkinson-White pattern; Lethal congenital glycogen storage disease of heart; Hypertrophic cardiomyopathy 6. Last evaluated: 2021-10-13. Review status: criteria provided, single submitter. Criteria: ACMG Guidelines, 2015. Collection method: clinical testing. Allele origin: unknown.

Ambry Genetics
Classification: Uncertain significance for Cardiovascular phenotype. Last evaluated: 2020-09-21. Review status: criteria provided, single submitter. Criteria: Ambry Variant Classification Scheme 2023. Collection method: clinical testing. Allele origin: germline.

GeneDx
Classification: Uncertain significance. Last evaluated: 2018-04-16. Review status: criteria provided, single submitter. Criteria: GeneDx Variant Classification (06012015). Collection method: clinical testing. Allele origin: germline. Affected: yes.
Comment: The T142I variant has been reported previously in association with dilated cardiomyopathy (DCM) and left ventricular non-compaction (LVNC) (Pugh et al., 2014; Miszalski-Jamka et al., 2017; Walsh et al.., 2017). Pugh et al. (2014) reported T142I as a variant of uncertain significance in one patient who was diagnosed with sporadic DCM. Subsequently, T142I was reported in a patient with LVNC who underwent whole exome sequencing (WES) who also harbored a variant in the ABCC6 gene (Miszalski-Jamka et al., 2017). In addition, the T142I variant has been classified as a variant of uncertain significance by several other clinical laboratories in ClinVar (SCV000062617.5; SCV000290210.2; SCV000290210.2; Landrum et al., 2016). The T142I variant is a non-conservative amino acid substitution, which may impact secondary protein structure as these residues differ in polarity, charge, size and/or other properties. However, in-silico analyses, including protein predictors and evolutionary conservation, support that this variant does not alter protein structure/function. Lastly, the T142I variant was observed in 0.0197% (2/10152) of alleles from individuals of Ashkenazi Jewish ancestry in large population cohorts (Lek et al., 2016).

Illumina Laboratory Services, Illumina
Classification: Uncertain significance for Wolff-Parkinson-White pattern. Last evaluated: 2018-01-12. Review status: criteria provided, single submitter. Criteria: ICSL Variant Classification Criteria 13 December 2019. Collection method: clinical testing. Allele origin: germline.

Illumina Laboratory Services, Illumina
Classification: Uncertain significance for Hypertrophic cardiomyopathy 6. Last evaluated: 2018-01-12. Review status: criteria provided, single submitter. Criteria: ICSL Variant Classification Criteria 13 December 2019. Collection method: clinical testing. Allele origin: germline.

Laboratory for Molecular Medicine, Mass General Brigham Personalized Medicine
Classification: Uncertain significance. Last evaluated: 2010-08-26. Review status: criteria provided, single submitter. Criteria: LMM Criteria. Collection method: clinical testing. Allele origin: germline. Observed: 3 variant alleles.
Comment: The Thr142Ile variant has not been reported in the literature. However, this var iant has been identified by our laboratory in one individual with a second, like ly pathogenic mutation and in another individual with a clinical diagnosis of d ilated cardiomyopathy (DCM); PRKAG2 variants are more commonly associated with HCM/LVH and WPW (Oliveira, 2003). In addition, the Thr80Asn variant is located outside the CBS domain region where all pathogenic PRKAG2 variants have been id entified to date. In summary, while these observations suggest that this could be a benign variant, its clinical significance cannot be determined with certain ty at this time.

Institut für Laboratoriums- und Transfusionsmedizin, Herz- und Diabeteszentrum Nordrhein-Westfalen
Classification: Uncertain significance for Arrhythmogenic right ventricular dysplasia 9. Last evaluated: 2016-05-01. Review status: no assertion criteria provided. Collection method: clinical testing. Allele origin: germline. Affected: yes. Observed: 1 variant allele. Not counted in ClinVar's aggregate classification.

Centre for Mendelian Genomics, University Medical Centre Ljubljana
Classification: Uncertain significance for Hypertrophic cardiomyopathy. Last evaluated: 2016-01-26. Review status: no assertion criteria provided. Collection method: clinical testing. Allele origin: unknown. Affected: yes. Not counted in ClinVar's aggregate classification.

Literature cited by the submitters: PubMed 24503780 (cited by All of Us Research Program, National Institutes of Health and Color Diagnostics, LLC DBA Color Health); PubMed 27532257 (cited by All of Us Research Program, National Institutes of Health and Color Diagnostics, LLC DBA Color Health); PubMed 28798025 (cited by All of Us Research Program, National Institutes of Health and Color Diagnostics, LLC DBA Color Health); PubMed 29253866 (cited by All of Us Research Program, National Institutes of Health and Color Diagnostics, LLC DBA Color Health); PubMed 30847666 (cited by All of Us Research Program, National Institutes of Health and Color Diagnostics, LLC DBA Color Health); PubMed 33876311 (cited by All of Us Research Program, National Institutes of Health and Color Diagnostics, LLC DBA Color Health); PubMed 35588295 (cited by All of Us Research Program, National Institutes of Health and Color Diagnostics, LLC DBA Color Health); PubMed 14519435 (cited by Laboratory for Molecular Medicine, Mass General Brigham Personalized Medicine).